The following is an entry in ClinVar:

NM_006073.4(TRDN):c.392G>C (p.Gly131Ala)

Gene: TRDN (triadin; minus strand). Cytogenetic location: 6q22.31.
Variant type: single nucleotide variant.
Coding change: c.392G>C on transcript NM_006073.4 (MANE Select); coding-DNA position 392, G replaced by C.
Protein change: p.Gly131Ala; replaces glycine 131 with alanine.
Molecular consequence: missense variant.
Genome position (GRCh38, 1-based): chr6:123,547,372, C>G on the plus strand (G>C on the coding strand, the complement: TRDN is on the minus strand). VCF-style: chr6-123547372-C-G. GRCh37 (hg19) VCF-style: chr6-123868517-C-G.
Other names: c.392G>C, p.Gly131Ala (NM_001251987.2, NM_001256020.2, NM_001256021.2 and 2 more transcripts); short protein forms G131A.
Identifiers: ClinVar variation 1736258 (VCV001736258.2), dbSNP rs2534479171, ClinGen allele CA365568621.
Genomic context (GRCh38, chr6:123,547,372, plus strand): 5'-ATTATTATCAAAGGTGAAAACAACTAACCTTTTTTTCTCAAGGGAGGCTCATCTATTTCT[C>G]CTAGACCAAGATTAAAAGAAAAACAAAGTTAGAAAATATTTTAGCATAGAATAATATGAC-3'
Protein context (NP_006064.2, residues 121-141): DDDGDEDTDK[Gly131Ala]EIDEPPLRKK

ClinVar aggregate classification (germline): Uncertain significance (1 of 4 stars; one submission).

Conditions:
Cardiovascular phenotype. Identifiers: MedGen CN230736.

gnomAD v4.1: 1 of 1,442,640 alleles (0.000069%); no homozygotes.

Submission:

Ambry Genetics
Classification: Uncertain significance for Cardiovascular phenotype. Last evaluated: 2022-01-10. Review status: criteria provided, single submitter. Criteria: Ambry Variant Classification Scheme 2023. Collection method: clinical testing. Allele origin: germline.
Comment: The p.G131A variant (also known as c.392G>C), located in coding exon 4 of the TRDN gene, results from a G to C substitution at nucleotide position 392. This variant impacts the first base pair of coding exon 4. The glycine at codon 131 is replaced by alanine, an amino acid with similar properties. This amino acid position is highly conserved in available vertebrate species. In addition, this alteration is predicted to be tolerated by in silico analysis. Since supporting evidence is limited at this time, the clinical significance of this alteration remains unclear.